The following is an entry in ClinVar:

ClinVar aggregate classification (germline): Uncertain significance (1 of 4 stars; one submission).

Submission:

Labcorp Genetics (formerly Invitae), Labcorp
Classification: Uncertain significance. Last evaluated: 2022-04-10. Review status: criteria provided, single submitter. Criteria: Invitae Variant Classification Sherloc (09022015). Collection method: clinical testing. Allele origin: germline.
Comment: In summary, the available evidence is currently insufficient to determine the role of this variant in disease. Therefore, it has been classified as a Variant of Uncertain Significance. Algorithms developed to predict the effect of missense changes on protein structure and function are either unavailable or do not agree on the potential impact of this missense change (SIFT: "Deleterious"; PolyPhen-2: "Probably Damaging"; Align-GVGD: "Class C0"). This variant has not been reported in the literature in individuals affected with ADGRV1-related conditions. This variant is not present in population databases (gnomAD no frequency). This sequence change replaces leucine, which is neutral and non-polar, with histidine, which is basic and polar, at codon 6146 of the ADGRV1 protein (p.Leu6146His).

NM_032119.4(ADGRV1):c.18437T>A (p.Leu6146His)

Gene: ADGRV1 (adhesion G protein-coupled receptor V1; plus strand). Cytogenetic location: 5q14.3.
Variant type: single nucleotide variant.
Coding change: c.18437T>A on transcript NM_032119.4 (MANE Select); coding-DNA position 18437, T replaced by A.
Protein change: p.Leu6146His; replaces leucine 6146 with histidine.
Molecular consequence: missense variant. On other transcripts: non-coding transcript variant (1).
Genome position (GRCh38, 1-based): chr5:91,150,034, T>A. VCF-style: chr5-91150034-T-A. GRCh37 (hg19) VCF-style: chr5-90445851-T-A.
Other names: short protein forms L6146H.
Identifiers: ClinVar variation 2124199 (VCV002124199.3), dbSNP rs1795908582, ClinGen allele CA360431996.